The following is an entry in ClinVar:

ClinVar aggregate classification (germline): Uncertain significance. Review status: criteria provided, multiple submitters, no conflicts (2 of 4 stars). 5 submissions from 5 submitters: Uncertain significance (5). Last evaluated 2025-11-20.

Conditions:
FANCI-related disorder. Also called: FANCI-related condition.
Fanconi anemia (FA). Also called: Fanconi's anemia. Identifiers: Orphanet 84, MedGen C0015625, MeSH D005199, MONDO:0019391.
Inborn genetic diseases. Identifiers: MedGen C0950123, MeSH D030342.
Fanconi anemia complementation group I (FANCI). Also called: FANCI-Related Fanconi Anemia. Identifiers: Orphanet 84, MedGen C1836861, MONDO:0012186, OMIM 609053.

Allele frequency attached by ClinVar (database versions not stated): ExAC 0.00002; TOPMed 0.00002; gnomAD 0.00004; gnomAD exomes 0.00004 and 0.00009.

Submissions (5):

Ambry Genetics
Classification: Uncertain significance for Inborn genetic diseases. Last evaluated: 2025-11-20. Review status: criteria provided, single submitter. Criteria: Ambry Variant Classification Scheme 2023. Collection method: clinical testing. Allele origin: germline.

Fulgent Genetics
Classification: Uncertain significance for Fanconi anemia complementation group I. Last evaluated: 2024-03-17. Review status: criteria provided, single submitter. Criteria: ACMG Guidelines, 2015. Collection method: clinical testing. Allele origin: germline.

PreventionGenetics, part of Exact Sciences
Classification: Uncertain significance for FANCI-related condition. Last evaluated: 2023-08-14. Review status: criteria provided, single submitter. Criteria: ACMG Guidelines, 2015. Collection method: clinical testing. Allele origin: germline.
Comment: The FANCI c.3056G>A variant is predicted to result in the amino acid substitution p.Arg1019Gln. To our knowledge, this variant has not been reported in the literature. This variant is reported in 0.0085% of alleles in individuals of European (Non-Finnish) descent in gnomAD. At this time, the clinical significance of this variant is uncertain due to the absence of conclusive functional and genetic evidence.

Labcorp Genetics (formerly Invitae), Labcorp
Classification: Uncertain significance for Fanconi anemia. Last evaluated: 2022-06-01. Review status: criteria provided, single submitter. Criteria: Invitae Variant Classification Sherloc (09022015). Collection method: clinical testing. Allele origin: germline.
Comment: This sequence change replaces arginine, which is basic and polar, with glutamine, which is neutral and polar, at codon 1019 of the FANCI protein (p.Arg1019Gln). This variant is present in population databases (rs772401747, gnomAD 0.009%). This variant has not been reported in the literature in individuals affected with FANCI-related conditions. ClinVar contains an entry for this variant (Variation ID: 566139). Algorithms developed to predict the effect of missense changes on protein structure and function output the following: SIFT: "Tolerated"; PolyPhen-2: "Benign"; Align-GVGD: "Class C0". The glutamine amino acid residue is found in multiple mammalian species, which suggests that this missense change does not adversely affect protein function. In summary, the available evidence is currently insufficient to determine the role of this variant in disease. Therefore, it has been classified as a Variant of Uncertain Significance.

Genetic Services Laboratory, University of Chicago
Classification: Uncertain significance. Last evaluated: 2020-04-20. Review status: criteria provided, single submitter. Criteria: ACMG Guidelines, 2015. Collection method: clinical testing. Allele origin: germline. Affected: no.
Comment: DNA sequence analysis of the FANCI gene demonstrated a sequence change, c.3056G>A, in exon 28 that results in an amino acid change, p.Arg1019Gln. This sequence change does not appear to have been previously described in patients with FANCI-related disorders and has been described in the gnomAD database with a frequency of 0.009% in the Ashkenazi Jewish sub-population (dbSNP rs772401747). The p.Arg1019Gln change affects a poorly conserved amino acid residue located in a domain of the FANCI protein that is not known to be functional. The p.Arg1019Gln substitution appears to be benign using several in-silico pathogenicity prediction tools (SIFT, PolyPhen2, Align GVGD, REVEL). Due to the lack of functional studies, the clinical significance of the p.Arg1019Gln change remains unknown at this time.

NM_001113378.2(FANCI):c.3056G>A (p.Arg1019Gln)

Gene: FANCI (FA complementation group I; plus strand). Cytogenetic location: 15q26.1.
Variant type: single nucleotide variant.
Coding change: c.3056G>A on transcript NM_001113378.2 (MANE Select); coding-DNA position 3056, G replaced by A.
Protein change: p.Arg1019Gln; replaces arginine 1019 with glutamine.
Molecular consequence: missense variant.
Genome position (GRCh38, 1-based): chr15:89,303,913, G>A. VCF-style: chr15-89303913-G-A. GRCh37 (hg19) VCF-style: chr15-89847144-G-A.
Other names: c.2777G>A, p.Arg926Gln (NM_001376910.1); c.3056G>A, p.Arg1019Gln (NM_001376911.1); c.2876G>A, p.Arg959Gln (NM_018193.3); short protein forms R1019Q, R959Q, R926Q.
Identifiers: ClinVar variation 566139 (VCV000566139.13), dbSNP rs772401747, ClinGen allele CA7723567.